The following is an entry in ClinVar:

NM_032242.4(PLXNA1):c.860T>G (p.Val287Gly)

Gene: PLXNA1 (plexin A1; plus strand). Cytogenetic location: 3q21.3.
Variant type: single nucleotide variant.
Coding change: c.860T>G on transcript NM_032242.4 (MANE Select); coding-DNA position 860, T replaced by G.
Protein change: p.Val287Gly; replaces valine 287 with glycine.
Molecular consequence: missense variant.
Genome position (GRCh38, 1-based): chr3:126,989,453, T>G. VCF-style: chr3-126989453-T-G. GRCh37 (hg19) VCF-style: chr3-126708296-T-G.
Other names: short protein forms V287G.
Identifiers: ClinVar variation 4991750 (VCV004991750.1).
Genomic context (GRCh38, chr3:126,989,453, plus strand): 5'-TGACCTCGCCTGATGCCGCCGGCGAGCACTTCTTCACGTCCAAGATCGTGCGGCTCTGTG[T>G]GGACGACCCCAAATTCTACTCGTACGTTGAGTTCCCCATTGGCTGCGAGCAGGCGGGTGT-3'
Protein context (NP_115618.3, residues 277-297): FFTSKIVRLC[Val287Gly]DDPKFYSYVE

ClinVar aggregate classification (germline): Uncertain significance (1 of 4 stars; one submission).

Conditions:
PLXNA1-related disorder. Also called: PLXNA1-related condition.

gnomAD v4.1: 1 of 1,613,692 alleles (0.000062%); highest among the groups gnomAD compares: Non-Finnish European, 0.000085%; no homozygotes.

Submission:

PreventionGenetics, part of Exact Sciences
Classification: Uncertain significance for PLXNA1-related condition. Last evaluated: 2026-06-24. Review status: criteria provided, single submitter. Criteria: ACMG Guidelines, 2015. Collection method: clinical testing. Allele origin: germline.
Comment: The PLXNA1 c.860T>G variant is predicted to result in the amino acid substitution p.Val287Gly. To our knowledge, this variant has not been reported in the literature or in a large population database (gnomAD), indicating this variant is rare. A similar variant (p.Val287Met) has been reported in an individual within an idiopathic hypogonadotropic hypogonadism cohort (Kotan et al. 2019. PubMed ID: 30467832). At this time, the clinical significance of the p.Val287Gly variant is uncertain due to the absence of conclusive functional and genetic evidence.